The following is an entry in ClinVar:

NM_025137.4(SPG11):c.6347_6348del (p.Thr2116fs)

Gene: SPG11 (SPG11 vesicle trafficking associated, spatacsin; minus strand). Cytogenetic location: 15q21.1.
Variant type: Microsatellite.
Coding change: c.6347_6348del on transcript NM_025137.4 (MANE Select); coding-DNA positions 6347 to 6348, 2 bases deleted (CA; older notation c.6347_6348delCA).
Protein change: p.Thr2116fs; shifts the reading frame from threonine 2116.
Molecular consequence: frameshift variant.
Genome position (GRCh38, 1-based): chr15:44,570,654-44,570,655, TG deleted on the plus strand (CA on the coding strand, the reverse complement: SPG11 is on the minus strand); deleting any 2 consecutive bases within chr15:44,570,654-44,570,657 gives the same sequence; the c. name uses the placement nearest the transcript's 3' end. VCF-style (leftmost placement, unchanged base first): chr15-44570653-CTG-C. GRCh37 (hg19) VCF-style: chr15-44862851-CTG-C.
Other names: c.6008_6009del, p.Thr2003fs (NM_001160227.2); c.6203_6204del, p.Thr2068fs (NM_001411132.1); short protein forms T2003fs, T2068fs, T2116fs.
Identifiers: ClinVar variation 2784719 (VCV002784719.4), dbSNP rs2505206459, ClinGen allele CA2628201077.

ClinVar aggregate classification (germline): Pathogenic/Likely pathogenic. Review status: criteria provided, multiple submitters, no conflicts (2 of 4 stars). 2 submissions from 2 submitters: Pathogenic (1); Likely pathogenic (1). Last evaluated 2024-01-17.

Conditions:
Hereditary spastic paraplegia 11. Also called: Spastic Paraplegia 11; Nakamura Osame syndrome; Autosomal recessive hereditary spastic paraplegia, mental impairment, and thin corpus callosum; Spastic paraplegia, mental retardation and thin corpus callosum; SPASTIC PARAPLEGIA, AUTOSOMAL RECESSIVE, COMPLICATED, WITH THIN CORPUS CALLOSUM; SPASTIC PARAPLEGIA, AUTOSOMAL RECESSIVE, WITH MENTAL IMPAIRMENT AND THIN CORPUS CALLOSUM. Identifiers: Orphanet 2822, MedGen C1858479, MONDO:0011445, OMIM 604360.
SPG11-related disorder. Also called: SPG11-related condition.

Submissions (2):

Blueprint Genetics
Classification: Likely pathogenic for SPG11-related disorders. Last evaluated: 2024-01-17. Review status: criteria provided, single submitter. Criteria: ACMG Guidelines, 2015. Collection method: clinical testing. Allele origin: germline. Affected: yes. Observed: 1 variant allele.

Labcorp Genetics (formerly Invitae), Labcorp
Classification: Pathogenic for Hereditary spastic paraplegia 11. Last evaluated: 2023-07-22. Review status: criteria provided, single submitter. Criteria: Invitae Variant Classification Sherloc (09022015). Collection method: clinical testing. Allele origin: germline.
Comment: This sequence change creates a premature translational stop signal (p.Thr2116Argfs*32) in the SPG11 gene. It is expected to result in an absent or disrupted protein product. Loss-of-function variants in SPG11 are known to be pathogenic (PMID: 19105190, 20110243, 22154821, 26556829). This variant is not present in population databases (gnomAD no frequency). This variant has not been reported in the literature in individuals affected with SPG11-related conditions. For these reasons, this variant has been classified as Pathogenic.

Literature cited by the submitters: PubMed 19105190 (cited by Labcorp Genetics (formerly Invitae), Labcorp); PubMed 20110243 (cited by Labcorp Genetics (formerly Invitae), Labcorp); PubMed 22154821 (cited by Labcorp Genetics (formerly Invitae), Labcorp); PubMed 26556829 (cited by Labcorp Genetics (formerly Invitae), Labcorp).